The following is an entry in ClinVar:

NM_144997.7(FLCN):c.1108A>G (p.Met370Val)

Gene: FLCN (folliculin; minus strand). Cytogenetic location: 17p11.2.
Variant type: single nucleotide variant.
Coding change: c.1108A>G on transcript NM_144997.7 (MANE Select); coding-DNA position 1108, A replaced by G.
Protein change: p.Met370Val; replaces methionine 370 with valine.
Molecular consequence: missense variant.
Genome position (GRCh38, 1-based): chr17:17,217,137, T>C on the plus strand (A>G on the coding strand, the complement: FLCN is on the minus strand). VCF-style: chr17-17217137-T-C. GRCh37 (hg19) VCF-style: chr17-17120451-T-C.
Other names: c.1162A>G, p.Met388Val (NM_001353229.2); c.1108A>G, p.Met370Val (NM_001353230.2, NM_001353231.2); short protein forms M388V, M370V.
Identifiers: ClinVar variation 822188 (VCV000822188.6), dbSNP rs1597586957, ClinGen allele CA398532315.

ClinVar aggregate classification (germline): Uncertain significance. Review status: criteria provided, multiple submitters, no conflicts (2 of 4 stars). 2 submissions from 2 submitters: Uncertain significance (2). Last evaluated 2024-08-09.

Conditions:
Hereditary cancer-predisposing syndrome. Also called: Hereditary Cancer Syndrome; Neoplastic Syndromes, Hereditary; Hereditary neoplastic syndrome; Tumor predisposition. Identifiers: Orphanet 140162, MedGen C0027672, MeSH D009386, MONDO:0015356.
Birt-Hogg-Dube syndrome. Also called: Birt Hogg Dubé syndrome. Identifiers: Orphanet 122, MedGen C0346010, MONDO:0800444.

gnomAD v4.1: 1 of 1,614,014 alleles (0.000062%); highest among the groups gnomAD compares: Non-Finnish European, 0.000085%; no homozygotes.

Submissions (2):

Ambry Genetics
Classification: Uncertain significance for Hereditary cancer-predisposing syndrome. Last evaluated: 2024-08-09. Review status: criteria provided, single submitter. Criteria: Ambry Variant Classification Scheme 2023. Collection method: clinical testing. Allele origin: germline.
Comment: The p.M370V variant (also known as c.1108A>G), located in coding exon 7 of the FLCN gene, results from an A to G substitution at nucleotide position 1108. The methionine at codon 370 is replaced by valine, an amino acid with highly similar properties. This amino acid position is highly conserved in available vertebrate species. In addition, this alteration is predicted to be deleterious by in silico analysis. Based on the available evidence, the clinical significance of this variant remains unclear.

Baylor Genetics
Classification: Uncertain significance for Birt-Hogg-Dube syndrome 1. Last evaluated: 2023-09-26. Review status: criteria provided, single submitter. Criteria: ACMG Guidelines, 2015. Collection method: clinical testing. Allele origin: unknown.